The following is an entry in ClinVar:

NM_004706.4(ARHGEF1):c.842-1G>C

Gene: ARHGEF1 (Rho guanine nucleotide exchange factor 1; plus strand). Cytogenetic location: 19q13.2.
Variant type: single nucleotide variant.
Coding change: c.842-1G>C on transcript NM_004706.4 (MANE Select); the canonical splice acceptor site of the intron before coding-DNA position 842, G replaced by C.
Molecular consequence: splice acceptor variant.
Genome position (GRCh38, 1-based): chr19:41,894,625, G>C. VCF-style: chr19-41894625-G-C. GRCh37 (hg19) VCF-style: chr19-42398698-G-C.
Other names: c.842-1G>C (NM_001396003.1, NM_001396000.1, NM_001396006.1); c.743-1G>C (NM_001396002.1, NM_198977.2, NM_001396004.1); c.887-1G>C (NM_199002.2).
Identifiers: ClinVar variation 4769590 (VCV004769590.1).
Genomic context (GRCh38, chr19:41,894,625, plus strand): 5'-TCTGCCCTCCCCTGTCTTCCCCAGCTGCTCCCACTCACTGTCTCATTCTCTCTCGTTTCA[G>C]TTCCAGATTTTCGACACCTCAAAGCAGAGGTTGATGGTAATGTACCTGTAGCCATAGCAT-3'

ClinVar aggregate classification (germline): Uncertain significance (1 of 4 stars; one submission).

Submission:

Labcorp Genetics (formerly Invitae), Labcorp
Classification: Uncertain significance. Last evaluated: 2025-09-26. Review status: criteria provided, single submitter. Criteria: Invitae Variant Classification Sherloc (09022015). Collection method: clinical testing. Allele origin: germline.
Comment: This sequence change affects an acceptor splice site in intron 10 of the ARHGEF1 gene. It is expected to disrupt RNA splicing. Variants that disrupt the donor or acceptor splice site typically lead to a loss of protein function (PMID: 16199547), however the current clinical and genetic evidence is not sufficient to establish whether loss-of-function variants in ARHGEF1 cause disease. This variant is not present in population databases (gnomAD no frequency). This variant has not been reported in the literature in individuals affected with ARHGEF1-related conditions. Algorithms developed to predict the effect of sequence changes on RNA splicing suggest that this variant may disrupt the consensus splice site. In summary, the available evidence is currently insufficient to determine the role of this variant in disease. Therefore, it has been classified as a Variant of Uncertain Significance.

Literature cited by the submitters: PubMed 16199547.